The following is an entry in ClinVar:

ClinVar aggregate classification (germline): Uncertain significance (1 of 4 stars; one submission).

Submission:

GeneDx
Classification: Uncertain significance. Last evaluated: 2024-02-13. Review status: criteria provided, single submitter. Criteria: GeneDx Variant Classification Process June 2021. Collection method: clinical testing. Allele origin: germline. Affected: yes.
Comment: Not observed at significant frequency in large population cohorts (gnomAD); In silico analysis supports that this missense variant does not alter protein structure/function; Has not been previously published as pathogenic or benign to our knowledge

NM_001372044.2(SHANK3):c.1354A>G (p.Ile452Val)

Gene: SHANK3 (SH3 and multiple ankyrin repeat domains 3; plus strand). Cytogenetic location: 22q13.33.
Variant type: single nucleotide variant.
Coding change: c.1354A>G on transcript NM_001372044.2 (MANE Select); coding-DNA position 1354, A replaced by G.
Protein change: p.Ile452Val; replaces isoleucine 452 with valine.
Molecular consequence: missense variant.
Genome position (GRCh38, 1-based): chr22:50,694,873, A>G. VCF-style: chr22-50694873-A-G. GRCh37 (hg19) VCF-style: chr22-51133301-A-G.
Other names: c.1129A>G (NM_033517.1); short protein forms I452V.
Identifiers: ClinVar variation 3369070 (VCV003369070.1).